The following is an entry in ClinVar:

NM_000064.4(C3):c.3440T>G (p.Val1147Gly)

Gene: C3 (complement C3; minus strand). Cytogenetic location: 19p13.3.
Variant type: single nucleotide variant.
Coding change: c.3440T>G on transcript NM_000064.4 (MANE Select); coding-DNA position 3440, T replaced by G.
Protein change: p.Val1147Gly; replaces valine 1147 with glycine.
Molecular consequence: missense variant.
Genome position (GRCh38, 1-based): chr19:6,690,678, A>C on the plus strand (T>G on the coding strand, the complement: C3 is on the minus strand). VCF-style: chr19-6690678-A-C. GRCh37 (hg19) VCF-style: chr19-6690689-A-C.
Other names: short protein forms V1147G.
Identifiers: ClinVar variation 1902086 (VCV001902086.5), dbSNP rs2512240087, ClinGen allele CA403624207.
Genomic context (GRCh38, chr19:6,690,678, plus strand): 5'-AGGGCACTTACGTTGACCTGCTCCTCGCAAATATCTTTAGCCTCCTGCAGCGAGATGAGA[A>C]CAAAGGCCGTGAGGGCCATGTCTTTCTCGTTGTTGTTCCGTAATCCACCCTGAGATAGAG-3'
Protein context (NP_000055.2, residues 1137-1157): NEKDMALTAF[Val1147Gly]LISLQEAKDI

ClinVar aggregate classification (germline): Uncertain significance (1 of 4 stars; one submission).

Allele frequency attached by ClinVar (database versions not stated): gnomAD exomes below 0.00001.
gnomAD v4.1: 2 of 1,614,270 alleles (0.00012%); highest among the groups gnomAD compares: Non-Finnish European, 0.00017%; no homozygotes.

Submission:

Labcorp Genetics (formerly Invitae), Labcorp
Classification: Uncertain significance. Last evaluated: 2022-01-17. Review status: criteria provided, single submitter. Criteria: Invitae Variant Classification Sherloc (09022015). Collection method: clinical testing. Allele origin: germline.
Comment: This variant has not been reported in the literature in individuals affected with C3-related conditions. In summary, the available evidence is currently insufficient to determine the role of this variant in disease. Therefore, it has been classified as a Variant of Uncertain Significance. Algorithms developed to predict the effect of missense changes on protein structure and function (SIFT, PolyPhen-2, Align-GVGD) all suggest that this variant is likely to be disruptive. This variant is not present in population databases (gnomAD no frequency). This sequence change replaces valine, which is neutral and non-polar, with glycine, which is neutral and non-polar, at codon 1147 of the C3 protein (p.Val1147Gly).